The following is an entry in ClinVar:

NM_033026.6(PCLO):c.11168C>T (p.Thr3723Ile)

Gene: PCLO (piccolo presynaptic cytomatrix protein; minus strand). Cytogenetic location: 7q21.11.
Variant type: single nucleotide variant.
Coding change: c.11168C>T on transcript NM_033026.6 (MANE Select); coding-DNA position 11168, C replaced by T.
Protein change: p.Thr3723Ile; replaces threonine 3723 with isoleucine.
Molecular consequence: missense variant.
Genome position (GRCh38, 1-based): chr7:82,916,818, G>A on the plus strand (C>T on the coding strand, the complement: PCLO is on the minus strand). VCF-style: chr7-82916818-G-A. GRCh37 (hg19) VCF-style: chr7-82546134-G-A.
Other names: c.11168C>T, p.Thr3723Ile (NM_014510.3); short protein forms T3723I.
Identifiers: ClinVar variation 3005704 (VCV003005704.1), dbSNP rs745969372, ClinGen allele CA4319602.

ClinVar aggregate classification (germline): Uncertain significance (1 of 4 stars; one submission).

Allele frequency attached by ClinVar (database versions not stated): gnomAD exomes below 0.00001; ExAC 0.00001; TOPMed 0.00002.
gnomAD v4.1: 4 of 1,613,480 alleles (0.00025%); highest among the groups gnomAD compares: Admixed American, 0.0033%; no homozygotes.

Submission:

Labcorp Genetics (formerly Invitae), Labcorp
Classification: Uncertain significance. Last evaluated: 2023-08-02. Review status: criteria provided, single submitter. Criteria: Invitae Variant Classification Sherloc (09022015). Collection method: clinical testing. Allele origin: germline.
Comment: In summary, the available evidence is currently insufficient to determine the role of this variant in disease. Therefore, it has been classified as a Variant of Uncertain Significance. Experimental studies and prediction algorithms are not available or were not evaluated, and the functional significance of this variant is currently unknown. This variant has not been reported in the literature in individuals affected with PCLO-related conditions. This variant is present in population databases (rs745969372, gnomAD 0.003%). This sequence change replaces threonine, which is neutral and polar, with isoleucine, which is neutral and non-polar, at codon 3723 of the PCLO protein (p.Thr3723Ile).